The following is an entry in ClinVar:

NM_000260.4(MYO7A):c.2187+208G>A

Gene: MYO7A (myosin VIIA; plus strand). Cytogenetic location: 11q13.5.
Variant type: single nucleotide variant.
Coding change: c.2187+208G>A on transcript NM_000260.4 (MANE Select); 208 bases into the intron after coding-DNA position 2187, G replaced by A.
Molecular consequence: intron variant.
Genome position (GRCh38, 1-based): chr11:77,175,672, G>A. VCF-style: chr11-77175672-G-A. GRCh37 (hg19) VCF-style: chr11-76886718-G-A.
Other names: c.2154+208G>A (NM_001369365.1); c.2187+208G>A (NM_001127180.2).
Identifiers: ClinVar variation 678824 (VCV000678824.2), dbSNP rs11237106, ClinGen allele CA13542424.

ClinVar aggregate classification (germline): Benign. Review status: criteria provided, multiple submitters, no conflicts (2 of 4 stars). 2 submissions from 2 submitters: Benign (2). Last evaluated 2018-06-14.

Allele frequency attached by ClinVar (database versions not stated): 1000 Genomes Project 0.48782; 1000 Genomes Project 30x 0.49016; gnomAD 0.52933 and 0.53612; TOPMed 0.52933.
gnomAD v4.1: 80,400 of 152,000 alleles (53%); highest among the groups gnomAD compares: Admixed American, 60%; 21,532 homozygotes.

Submissions (2):

GeneDx
Classification: Benign. Last evaluated: 2018-06-14. Review status: criteria provided, single submitter. Criteria: GeneDx Variant Classification (06012015). Collection method: clinical testing. Allele origin: germline. Affected: yes.
Comment: This variant is considered likely benign or benign based on one or more of the following criteria: it is a conservative change, it occurs at a poorly conserved position in the protein, it is predicted to be benign by multiple in silico algorithms, and/or has population frequency not consistent with disease.

Breakthrough Genomics
Classification: Benign. Review status: criteria provided, single submitter. Criteria: ACMG Guidelines, 2015. Collection method: not provided. Allele origin: germline. Inheritance: Autosomal recessive inheritance. Affected: yes.